The following is an entry in ClinVar:

NM_020207.7(ERCC6L2):c.616C>T (p.Leu206Phe)

Gene: ERCC6L2 (ERCC excision repair 6 like 2; plus strand). Cytogenetic location: 9q22.32.
Variant type: single nucleotide variant.
Coding change: c.616C>T on transcript NM_020207.7 (MANE Select); coding-DNA position 616, C replaced by T.
Protein change: p.Leu206Phe; replaces leucine 206 with phenylalanine.
Molecular consequence: missense variant. On other transcripts: non-coding transcript variant (1).
Genome position (GRCh38, 1-based): chr9:95,907,099, C>T. VCF-style: chr9-95907099-C-T. GRCh37 (hg19) VCF-style: chr9-98669381-C-T.
Other names: c.616C>T, p.Leu206Phe (NM_001375291.1, NM_001375292.1, NM_001375293.1 and 2 more transcripts); short protein forms L206F.
Identifiers: ClinVar variation 4019259 (VCV004019259.2).

ClinVar aggregate classification (germline): Uncertain significance. Review status: criteria provided, multiple submitters, no conflicts (2 of 4 stars). 2 submissions from 2 submitters: Uncertain significance (2). Last evaluated 2025-10-03.

Conditions:
Inborn genetic diseases. Identifiers: MedGen C0950123, MeSH D030342.

gnomAD v4.1: 5 of 1,608,804 alleles (0.00031%); highest among the groups gnomAD compares: Non-Finnish European, 0.00034%; no homozygotes.

Submissions (2):

Women's Health and Genetics/Laboratory Corporation of America, LabCorp
Classification: Uncertain significance. Last evaluated: 2025-10-03. Review status: criteria provided, single submitter. Criteria: LabCorp Variant Classification Summary - May 2015. Collection method: clinical testing. Allele origin: germline.
Comment: Variant summary: ERCC6L2 c.616C>T (p.Leu206Phe) results in a non-conservative amino acid change in the encoded protein sequence. Algorithms developed to predict the effect of missense changes on protein structure and function all suggest that this variant is likely to be disruptive. The variant was absent in 246518 control chromosomes. The available data on variant occurrences in the general population are insufficient to allow any conclusion about variant significance. To our knowledge, no occurrence of c.616C>T in individuals affected with ERCC6L2-related conditions and no experimental evidence demonstrating its impact on protein function have been reported. ClinVar contains an entry for this variant (Variation ID: 4019259). Based on the evidence outlined above, the variant was classified as uncertain significance.

Ambry Genetics
Classification: Uncertain significance for Inborn genetic diseases. Last evaluated: 2025-03-24. Review status: criteria provided, single submitter. Criteria: Ambry Variant Classification Scheme 2023. Collection method: clinical testing. Allele origin: germline.
Comment: The p.L206F variant (also known as c.616C>T), located in coding exon 4 of the ERCC6L2 gene, results from a C to T substitution at nucleotide position 616. The leucine at codon 206 is replaced by phenylalanine, an amino acid with highly similar properties. This amino acid position is conserved. In addition, this alteration is predicted to be deleterious by in silico analysis. Based on the available evidence, the clinical significance of this variant remains unclear.